The following is an entry in ClinVar:

ClinVar aggregate classification (germline): Pathogenic (1 of 4 stars; one submission).

Conditions:
Intellectual disability-facial dysmorphism syndrome due to SETD5 haploinsufficiency (MRD23). Also called: Intellectual developmental disorder, autosomal dominant 23. Identifiers: Orphanet 404440, MedGen C3810406, MONDO:0014336, OMIM 615761.

Submission:

Laboratoire Génétique Moléculaire, CHRU TOURS
Classification: Pathogenic for Intellectual disability-facial dysmorphism syndrome due to SETD5 haploinsufficiency. Last evaluated: 2023-07-27. Review status: criteria provided, single submitter. Criteria: ACMG Guidelines, 2015. Collection method: clinical testing. Allele origin: de novo. Affected: yes.
Comment: PVS1;PS2;PM1;PM2;PP4

NM_001080517.3(SETD5):c.1034del (p.Asn345fs)

Gene: SETD5 (SET domain containing 5; plus strand). Cytogenetic location: 3p25.3.
Variant type: Deletion.
Coding change: c.1034del on transcript NM_001080517.3 (MANE Select); coding-DNA position 1034, one base deleted (A; older notation c.1034delA).
Protein change: p.Asn345fs; shifts the reading frame from asparagine 345.
Molecular consequence: frameshift variant.
Genome position (GRCh38, 1-based): chr3:9,442,202, A deleted; the last of 2 consecutive A bases (chr3:9,442,201-9,442,202); deleting either gives the same sequence. VCF-style (leftmost placement, unchanged base first): chr3-9442200-TA-T. GRCh37 (hg19) VCF-style: chr3-9483884-TA-T.
Other names: c.740del, p.Asn247fs (NM_001292043.2, NM_001349451.2); c.1130del, p.Asn377fs (NM_001437633.1); c.1091del, p.Asn364fs (NM_001437635.1); c.1034del, p.Asn345fs (NM_001437643.1); c.1073del, p.Asn358fs (NM_001437701.1); short protein forms N247fs, N358fs, N364fs, N345fs, N377fs.
Identifiers: ClinVar variation 4294366 (VCV004294366.1).